The following is an entry in ClinVar:

NM_000719.7(CACNA1C):c.179G>C (p.Arg60Pro)

Gene: CACNA1C (calcium voltage-gated channel subunit alpha1 C; plus strand). Cytogenetic location: 12p13.33.
Variant type: single nucleotide variant.
Coding change: c.179G>C on transcript NM_000719.7 (MANE Select); coding-DNA position 179, G replaced by C.
Protein change: p.Arg60Pro; replaces arginine 60 with proline.
Molecular consequence: missense variant.
Genome position (GRCh38, 1-based): chr12:2,115,353, G>C. VCF-style: chr12-2115353-G-C. GRCh37 (hg19) VCF-style: chr12-2224519-G-C.
Other names: c.179G>C, p.Arg60Pro (NM_001129827.2, NM_001129829.2, NM_001129830.3 and 19 more transcripts); short protein forms R60P.
Identifiers: ClinVar variation 1517108 (VCV001517108.8), dbSNP rs1460962311, ClinGen allele CA383653093.

ClinVar aggregate classification (germline): Uncertain significance (1 of 4 stars; one submission).

Conditions:
Long QT syndrome (LQTS). Identifiers: MedGen C0023976, MeSH D008133, MONDO:0002442. Disease mechanism: loss of function. Inheritance: Various modes of inheritance.

Submission:

Labcorp Genetics (formerly Invitae), Labcorp
Classification: Uncertain significance for Long QT syndrome. Last evaluated: 2021-03-07. Review status: criteria provided, single submitter. Criteria: Invitae Variant Classification Sherloc (09022015). Collection method: clinical testing. Allele origin: germline.
Comment: This sequence change replaces arginine with proline at codon 60 of the CACNA1C protein (p.Arg60Pro). The arginine residue is weakly conserved and there is a moderate physicochemical difference between arginine and proline. This variant is not present in population databases (ExAC no frequency). This variant has not been reported in the literature in individuals with CACNA1C-related conditions. Algorithms developed to predict the effect of missense changes on protein structure and function are either unavailable or do not agree on the potential impact of this missense change (SIFT: "Deleterious"; PolyPhen-2: "Probably Damaging"; Align-GVGD: "Class C0"). In summary, the available evidence is currently insufficient to determine the role of this variant in disease. Therefore, it has been classified as a Variant of Uncertain Significance.